The following is an entry in ClinVar:

NM_005245.4(FAT1):c.2642G>A (p.Arg881His)

Gene: FAT1 (FAT atypical cadherin 1; minus strand). Cytogenetic location: 4q35.2.
Variant type: single nucleotide variant.
Coding change: c.2642G>A on transcript NM_005245.4 (MANE Select); coding-DNA position 2642, G replaced by A.
Protein change: p.Arg881His; replaces arginine 881 with histidine.
Molecular consequence: missense variant.
Genome position (GRCh38, 1-based): chr4:186,707,186, C>T on the plus strand (G>A on the coding strand, the complement: FAT1 is on the minus strand). VCF-style: chr4-186707186-C-T. GRCh37 (hg19) VCF-style: chr4-187628340-C-T.
Other names: short protein forms R881H.
Identifiers: ClinVar variation 1916960 (VCV001916960.5), dbSNP rs536104649, ClinGen allele CA3167217.
Genomic context (GRCh38, chr4:186,707,186, plus strand): 5'-GCTTGGTCCCTGGCCTCAATCTTTAAGGAGTGCTCATGCTGCAGCTCTCGATCCAGAGGG[C>T]GTGCGATGTTAACAACACCCGTCACGCTGTCAATTGAAAATGTGTCTGTGTCTGTAACAA-3'
Protein context (NP_005236.2, residues 871-891): DSVTGVVNIA[Arg881His]PLDRELQHEH

ClinVar aggregate classification (germline): Uncertain significance (1 of 4 stars; one submission).

Allele frequency attached by ClinVar (database versions not stated): gnomAD exomes 0.00001; TOPMed 0.00002.
gnomAD v4.1: 19 of 1,613,894 alleles (0.0012%); highest among the groups gnomAD compares: Non-Finnish European, 0.0015%; no homozygotes.

Submission:

Labcorp Genetics (formerly Invitae), Labcorp
Classification: Uncertain significance. Last evaluated: 2022-07-26. Review status: criteria provided, single submitter. Criteria: Invitae Variant Classification Sherloc (09022015). Collection method: clinical testing. Allele origin: germline.
Comment: In summary, the available evidence is currently insufficient to determine the role of this variant in disease. Therefore, it has been classified as a Variant of Uncertain Significance. Algorithms developed to predict the effect of missense changes on protein structure and function output the following: SIFT: "Tolerated"; PolyPhen-2: "Benign"; Align-GVGD: "Class C0". The histidine amino acid residue is found in multiple mammalian species, which suggests that this missense change does not adversely affect protein function. This variant has not been reported in the literature in individuals affected with FAT1-related conditions. This variant is present in population databases (rs536104649, gnomAD 0.006%). This sequence change replaces arginine, which is basic and polar, with histidine, which is basic and polar, at codon 881 of the FAT1 protein (p.Arg881His).